The following is an entry in ClinVar:

NM_000020.3(ACVRL1):c.237dup (p.Arg80fs)

Gene: ACVRL1 (activin A receptor like type 1; plus strand). Cytogenetic location: 12q13.13.
Variant type: Duplication.
Coding change: c.237dup on transcript NM_000020.3 (MANE Select); coding-DNA position 237, one base duplicated (G; older notation c.237dupG).
Protein change: p.Arg80fs; shifts the reading frame from arginine 80.
Molecular consequence: frameshift variant.
Genome position (GRCh38, 1-based): chr12:51,913,274, G duplicated; the last of 5 consecutive G bases (chr12:51,913,270-51,913,274); duplicating any one gives the same sequence. VCF-style (leftmost placement, unchanged base first): chr12-51913269-A-AG. GRCh37 (hg19) VCF-style: chr12-52307053-A-AG.
Other names: c.237dup, p.Arg80fs (NM_001077401.2); short protein forms R80fs.
Identifiers: ClinVar variation 644908 (VCV000644908.6), dbSNP rs1592221830, ClinGen allele CA915948519.

ClinVar aggregate classification (germline): Pathogenic (1 of 4 stars; one submission).

Conditions:
Telangiectasia, hereditary hemorrhagic, type 2 (HHT2). Also called: ACVRL1-Related Hereditary Hemorrhagic Telangiectasia; Telangiectasia, hereditary hemorrhagic, type II. Identifiers: Orphanet 774, MedGen C1838163, MONDO:0010880, OMIM 600376. Disease mechanism: loss of function.

Submission:

Labcorp Genetics (formerly Invitae), Labcorp
Classification: Pathogenic for Telangiectasia, hereditary hemorrhagic, type 2. Last evaluated: 2021-12-03. Review status: criteria provided, single submitter. Criteria: Invitae Variant Classification Sherloc (09022015). Collection method: clinical testing. Allele origin: germline.
Comment: For these reasons, this variant has been classified as Pathogenic. ClinVar contains an entry for this variant (Variation ID: 644908). This premature translational stop signal has been observed in individual(s) with ACVRS1-related disease (PMID: 12700602). This variant is not present in population databases (gnomAD no frequency). This sequence change creates a premature translational stop signal (p.Arg80Alafs*89) in the ACVRL1 gene. It is expected to result in an absent or disrupted protein product. Loss-of-function variants in ACVRL1 are known to be pathogenic (PMID: 15879500).

Literature cited by the submitters: PubMed 12700602; PubMed 15879500.